The following is an entry in ClinVar:

ClinVar aggregate classification (germline): Pathogenic (1 of 4 stars; one submission).

Conditions:
Charcot-Marie-Tooth disease axonal type 2V. Also called: CHARCOT-MARIE-TOOTH NEUROPATHY, TYPE 2V; CHARCOT-MARIE-TOOTH DISEASE, AXONAL, AUTOSOMAL DOMINANT, TYPE 2V. Identifiers: Orphanet 447964, MedGen C5569050, MONDO:0014665, OMIM 616491.
Mucopolysaccharidosis, MPS-III-B (MPS3B). Also called: MPS IIIB (Sanfilippo Syndrome Type B); N-ACETYL-ALPHA-D-GLUCOSAMINIDASE DEFICIENCY; NAGLU DEFICIENCY; MUCOPOLYSACCHARIDOSIS, TYPE IIIB; Mucopolysaccharidosis type IIIB (Sanfilippo B); SANFILIPPO SYNDROME B. Identifiers: Orphanet 79270, MedGen C0086648, MONDO:0009656, OMIM 252920.

Submission:

Labcorp Genetics (formerly Invitae), Labcorp
Classification: Pathogenic for Charcot-Marie-Tooth disease axonal type 2V; Mucopolysaccharidosis, MPS-III-B. Last evaluated: 2025-09-07. Review status: criteria provided, single submitter. Criteria: Invitae Variant Classification Sherloc (09022015). Collection method: clinical testing. Allele origin: germline.
Comment: This sequence change creates a premature translational stop signal (p.Leu592*) in the NAGLU gene. While this is not anticipated to result in nonsense mediated decay, it is expected to disrupt the last 152 amino acid(s) of the NAGLU protein. This variant is not present in population databases (gnomAD no frequency). This variant has not been reported in the literature in individuals affected with NAGLU-related conditions. ClinVar contains an entry for this variant (Variation ID: 1377108). This variant disrupts a region of the NAGLU protein in which other variant(s) (p.Gln706*) have been determined to be pathogenic (PMID: 9443875, 29661560). This suggests that this is a clinically significant region of the protein, and that variants that disrupt it are likely to be disease-causing. For these reasons, this variant has been classified as Pathogenic.

Literature cited by the submitters: PubMed 9443875; PubMed 29661560.

NM_000263.4(NAGLU):c.1773del (p.Leu591_Leu592insTer)

Gene: NAGLU (N-acetyl-alpha-glucosaminidase; plus strand). Cytogenetic location: 17q21.2.
Variant type: Deletion.
Coding change: c.1773del on transcript NM_000263.4 (MANE Select); coding-DNA position 1773, one base deleted (G; older notation c.1773delG).
Protein change: p.Leu591_Leu592insTer.
Molecular consequence: frameshift variant.
Genome position (GRCh38, 1-based): chr17:42,543,779, G deleted. VCF-style (leftmost placement, unchanged base first): chr17-42543778-TG-T. GRCh37 (hg19) VCF-style: chr17-40695796-TG-T.
Identifiers: ClinVar variation 1377108 (VCV001377108.6), dbSNP rs2143113566, ClinGen allele CA2573153974.
Genomic context (GRCh38, chr17:42,543,778, plus strand): 5'-TGGTCAGCTTGTACTATGAGGAGGCAAGAAGCGCCTACCTGAGCAAGGAGCTGGCCTCCC[TG>T]TTGAGGGCTGGAGGCGTCCTGGCCTATGAGCTGCTGCCGGCACTGGACGAGGTGCTGGCT-3'